The following is an entry in ClinVar:

ClinVar aggregate classification (germline): Uncertain significance (1 of 4 stars; one submission).

Submission:

Labcorp Genetics (formerly Invitae), Labcorp
Classification: Uncertain significance. Last evaluated: 2024-10-30. Review status: criteria provided, single submitter. Criteria: Invitae Variant Classification Sherloc (09022015). Collection method: clinical testing. Allele origin: germline.
Comment: This sequence change replaces threonine, which is neutral and polar, with isoleucine, which is neutral and non-polar, at codon 292 of the TUBA8 protein (p.Thr292Ile). This variant is not present in population databases (gnomAD no frequency). This variant has not been reported in the literature in individuals affected with TUBA8-related conditions. Invitae Evidence Modeling of protein sequence and biophysical properties (such as structural, functional, and spatial information, amino acid conservation, physicochemical variation, residue mobility, and thermodynamic stability) indicates that this missense variant is expected to disrupt TUBA8 protein function with a positive predictive value of 80%. In summary, the available evidence is currently insufficient to determine the role of this variant in disease. Therefore, it has been classified as a Variant of Uncertain Significance.

NM_018943.3(TUBA8):c.875C>T (p.Thr292Ile)

Gene: TUBA8 (tubulin alpha 8; plus strand). Cytogenetic location: 22q11.21.
Variant type: single nucleotide variant.
Coding change: c.875C>T on transcript NM_018943.3 (MANE Select); coding-DNA position 875, C replaced by T.
Protein change: p.Thr292Ile; replaces threonine 292 with isoleucine.
Molecular consequence: missense variant.
Genome position (GRCh38, 1-based): chr22:18,126,853, C>T. VCF-style: chr22-18126853-C-T. GRCh37 (hg19) VCF-style: chr22-18609620-C-T.
Other names: c.677C>T, p.Thr226Ile (NM_001193414.2); short protein forms T226I, T292I.
Identifiers: ClinVar variation 3620311 (VCV003620311.2).